The following is an entry in ClinVar:

ClinVar aggregate classification (germline): Uncertain significance (1 of 4 stars; one submission).

Conditions:
Dyskeratosis congenita. Identifiers: Orphanet 1775, MedGen C0265965, MONDO:0015780.

Allele frequency attached by ClinVar (database versions not stated): TOPMed 0.00001.
gnomAD v4.1: 20 of 1,614,062 alleles (0.0012%); highest among the groups gnomAD compares: East Asian, 0.0022%; no homozygotes.

Submission:

Labcorp Genetics (formerly Invitae), Labcorp
Classification: Uncertain significance for Dyskeratosis congenita. Last evaluated: 2020-04-14. Review status: criteria provided, single submitter. Criteria: Invitae Variant Classification Sherloc (09022015). Collection method: clinical testing. Allele origin: germline.
Comment: In summary, the available evidence is currently insufficient to determine the role of this variant in disease. Therefore, it has been classified as a Variant of Uncertain Significance. Algorithms developed to predict the effect of missense changes on protein structure and function output the following: SIFT: "Tolerated"; PolyPhen-2: "Benign"; Align-GVGD: "Class C0". The glutamine amino acid residue is found in multiple mammalian species, suggesting that this missense change does not adversely affect protein function. These predictions have not been confirmed by published functional studies and their clinical significance is uncertain. This variant has not been reported in the literature in individuals with CTC1-related conditions. This variant is not present in population databases (ExAC no frequency). This sequence change replaces arginine with glutamine at codon 1195 of the CTC1 protein (p.Arg1195Gln). The arginine residue is highly conserved and there is a small physicochemical difference between arginine and glutamine.

NM_025099.6(CTC1):c.3584G>A (p.Arg1195Gln)

Gene: CTC1 (CST telomere replication complex component 1; minus strand). Cytogenetic location: 17p13.1.
Variant type: single nucleotide variant.
Coding change: c.3584G>A on transcript NM_025099.6 (MANE Select); coding-DNA position 3584, G replaced by A.
Protein change: p.Arg1195Gln; replaces arginine 1195 with glutamine.
Molecular consequence: missense variant. On other transcripts: non-coding transcript variant (1).
Genome position (GRCh38, 1-based): chr17:8,228,250, C>T on the plus strand (G>A on the coding strand, the complement: CTC1 is on the minus strand). VCF-style: chr17-8228250-C-T. GRCh37 (hg19) VCF-style: chr17-8131568-C-T.
Other names: short protein forms R1195Q.
Identifiers: ClinVar variation 1021649 (VCV001021649.8), dbSNP rs1206095374, ClinGen allele CA397967701.